The following is an entry in ClinVar:

NM_004168.4(SDHA):c.1624C>T (p.Leu542Phe)

Gene: SDHA (succinate dehydrogenase complex flavoprotein subunit A; plus strand). Cytogenetic location: 5p15.33.
Variant type: single nucleotide variant.
Coding change: c.1624C>T on transcript NM_004168.4 (MANE Select); coding-DNA position 1624, C replaced by T.
Protein change: p.Leu542Phe; replaces leucine 542 with phenylalanine.
Molecular consequence: missense variant. On other transcripts: intron variant (1).
Genome position (GRCh38, 1-based): chr5:251,064, C>T. VCF-style: chr5-251064-C-T. GRCh37 (hg19) VCF-style: chr5-251179-C-T.
Other names: c.1480C>T, p.Leu494Phe (NM_001294332.2); c.1552-3329C>T (NM_001330758.2); short protein forms L494F, L542F.
Identifiers: ClinVar variation 2927896 (VCV002927896.3), dbSNP rs2477455089, ClinGen allele CA358998680.

ClinVar aggregate classification (germline): Uncertain significance (1 of 4 stars; one submission).

Conditions:
Mitochondrial complex II deficiency, nuclear type 1. Also called: SUCCINATE CoQ REDUCTASE DEFICIENCY. Identifiers: Orphanet 3208, MedGen C5700310, MONDO:0100294, OMIM 252011.
Pheochromocytoma/paraganglioma syndrome 5. Also called: Paragangliomas 5; SDHA-Related Hereditary Paraganglioma-Pheochromocytoma Syndrome. Identifiers: Orphanet 29072, MedGen C3279992, MONDO:0013602, OMIM 614165.

Allele frequency attached by ClinVar (database versions not stated): gnomAD exomes below 0.00001.
gnomAD v4.1: 2 of 1,612,002 alleles (0.00012%); highest among the groups gnomAD compares: Non-Finnish European, 0.00017%; no homozygotes.

Submission:

Labcorp Genetics (formerly Invitae), Labcorp
Classification: Uncertain significance for Pheochromocytoma/paraganglioma syndrome 5; Mitochondrial complex II deficiency, nuclear type 1. Last evaluated: 2023-08-01. Review status: criteria provided, single submitter. Criteria: Invitae Variant Classification Sherloc (09022015). Collection method: clinical testing. Allele origin: germline.
Comment: In summary, the available evidence is currently insufficient to determine the role of this variant in disease. Therefore, it has been classified as a Variant of Uncertain Significance. Advanced modeling of protein sequence and biophysical properties (such as structural, functional, and spatial information, amino acid conservation, physicochemical variation, residue mobility, and thermodynamic stability) performed at Invitae indicates that this missense variant is not expected to disrupt SDHA protein function. This variant has not been reported in the literature in individuals affected with SDHA-related conditions. This variant is not present in population databases (gnomAD no frequency). This sequence change replaces leucine, which is neutral and non-polar, with phenylalanine, which is neutral and non-polar, at codon 542 of the SDHA protein (p.Leu542Phe).